The following is an entry in ClinVar:

NM_130384.3(ATRIP):c.1175A>G (p.Asn392Ser)

Genes: ATRIP (ATR interacting protein; plus strand), ATRIP-TREX1 (ATRIP-TREX1 readthrough; plus strand). Cytogenetic location: 3p21.31.
Variant type: single nucleotide variant.
Coding change: c.1175A>G on transcript NM_130384.3 (MANE Select); coding-DNA position 1175, A replaced by G.
Protein change: p.Asn392Ser; replaces asparagine 392 with serine.
Molecular consequence: missense variant. On other transcripts: non-coding transcript variant (1).
Genome position (GRCh38, 1-based): chr3:48,460,229, A>G. VCF-style: chr3-48460229-A-G. GRCh37 (hg19) VCF-style: chr3-48501628-A-G.
Other names: c.794A>G, p.Asn265Ser (NM_001271022.2); c.896A>G, p.Asn299Ser (NM_001271023.2); c.1175A>G, p.Asn392Ser (NM_032166.4); c.1175A>G (NM_130384.1); short protein forms N299S, N392S, N265S.
Identifiers: ClinVar variation 2961989 (VCV002961989.3), dbSNP rs765870755, ClinGen allele CA2376160.

ClinVar aggregate classification (germline): Uncertain significance. Review status: criteria provided, multiple submitters, no conflicts (2 of 4 stars). 2 submissions from 2 submitters: Uncertain significance (2). Last evaluated 2025-01-04.

Allele frequency attached by ClinVar (database versions not stated): gnomAD exomes 0.00001; ExAC 0.00002; TOPMed 0.00002; gnomAD 0.00003.
gnomAD v4.1: 22 of 1,613,998 alleles (0.0014%); highest among the groups gnomAD compares: Non-Finnish European, 0.0017%; no homozygotes.

Submissions (2):

Ambry Genetics
Classification: Uncertain significance. Last evaluated: 2025-01-04. Review status: criteria provided, single submitter. Criteria: Ambry Variant Classification Scheme 2023. Collection method: clinical testing. Allele origin: germline.
Comment: The p.N392S variant (also known as c.1175A>G), located in coding exon 8 of the ATRIP gene, results from an A to G substitution at nucleotide position 1175. The asparagine at codon 392 is replaced by serine, an amino acid with highly similar properties. This amino acid position is conserved. In addition, this alteration is predicted to be tolerated by in silico analysis. Based on the available evidence, the clinical significance of this variant remains unclear.

Labcorp Genetics (formerly Invitae), Labcorp
Classification: Uncertain significance. Last evaluated: 2024-01-29. Review status: criteria provided, single submitter. Criteria: Invitae Variant Classification Sherloc (09022015). Collection method: clinical testing. Allele origin: germline.
Comment: This sequence change replaces asparagine, which is neutral and polar, with serine, which is neutral and polar, at codon 392 of the ATRIP protein (p.Asn392Ser). This variant is present in population databases (rs765870755, gnomAD 0.004%). This variant has not been reported in the literature in individuals affected with ATRIP-related conditions. Algorithms developed to predict the effect of missense changes on protein structure and function output the following: SIFT: "Not Available"; PolyPhen-2: "Benign"; Align-GVGD: "Not Available". The serine amino acid residue is found in multiple mammalian species, which suggests that this missense change does not adversely affect protein function. In summary, the available evidence is currently insufficient to determine the role of this variant in disease. Therefore, it has been classified as a Variant of Uncertain Significance.